The following is an entry in ClinVar:

ClinVar aggregate classification (germline): Likely benign. Review status: criteria provided, single submitter (1 of 4 stars). 2 submissions from 2 submitters: Likely benign (1). 1 of the submissions does not count toward it. Last evaluated 2022-02-26.

Conditions:
PALLD-related disorder. Also called: PALLD-related condition.

Allele frequency attached by ClinVar (database versions not stated): gnomAD exomes 0.00004; ExAC 0.00007; ESP Exome Variant Server 0.00015; gnomAD 0.00026; TOPMed 0.00031; 1000 Genomes Project 0.00060; 1000 Genomes Project 30x 0.00062.
gnomAD v4.1: 99 of 1,614,158 alleles (0.0061%); highest among the groups gnomAD compares: African/African-American, 0.075%; no homozygotes.

Submissions (2):

Ambry Genetics
Classification: Likely benign. Last evaluated: 2022-02-26. Review status: criteria provided, single submitter. Criteria: Ambry Variant Classification Scheme 2023. Collection method: clinical testing. Allele origin: germline.

PreventionGenetics, part of Exact Sciences
Classification: Likely benign for PALLD-related condition. Last evaluated: 2024-08-02. Review status: no assertion criteria provided. Collection method: clinical testing. Allele origin: germline. Not counted in ClinVar's aggregate classification.
Comment: This variant is classified as likely benign based on ACMG/AMP sequence variant interpretation guidelines (Richards et al. 2015 PMID: 25741868, with internal and published modifications).

NM_001166108.2(PALLD):c.594G>A (p.Ser198=)

Gene: PALLD (palladin, cytoskeletal associated protein; plus strand). Cytogenetic location: 4q32.3.
Variant type: single nucleotide variant.
Coding change: c.594G>A on transcript NM_001166108.2 (MANE Select); coding-DNA position 594, G replaced by A.
Protein change: p.Ser198=; no amino-acid change (serine 198 retained).
Molecular consequence: synonymous variant.
Genome position (GRCh38, 1-based): chr4:168,512,098, G>A. VCF-style: chr4-168512098-G-A. GRCh37 (hg19) VCF-style: chr4-169433249-G-A.
Other names: c.594G>A, p.Ser198= (NM_016081.4).
Identifiers: ClinVar variation 1750671 (VCV001750671.4), dbSNP rs149663929, ClinGen allele CA3135397.